The following is an entry in ClinVar:

NM_001136472.2(LITAF):c.124G>T (p.Gly42Trp)

Gene: LITAF (lipopolysaccharide induced TNF factor; minus strand). Cytogenetic location: 16p13.13.
Variant type: single nucleotide variant.
Coding change: c.124G>T on transcript NM_001136472.2 (MANE Select); coding-DNA position 124, G replaced by T.
Protein change: p.Gly42Trp; replaces glycine 42 with tryptophan.
Molecular consequence: missense variant. On other transcripts: non-coding transcript variant (1).
Genome position (GRCh38, 1-based): chr16:11,556,607, C>A on the plus strand (G>T on the coding strand, the complement: LITAF is on the minus strand). VCF-style: chr16-11556607-C-A. GRCh37 (hg19) VCF-style: chr16-11650463-C-A.
Other names: c.124G>T, p.Gly42Trp (NM_001136473.1, NM_004862.4); short protein forms G42W.
Identifiers: ClinVar variation 968029 (VCV000968029.11), dbSNP rs775942980, ClinGen allele CA7904178.

ClinVar aggregate classification (germline): Uncertain significance. Review status: criteria provided, multiple submitters, no conflicts (2 of 4 stars). 2 submissions from 2 submitters: Uncertain significance (2). Last evaluated 2023-12-21.

Conditions:
Inborn genetic diseases. Identifiers: MedGen C0950123, MeSH D030342.
Charcot-Marie-Tooth disease type 1C. Also called: CMT, SLOW NERVE CONDUCTION TYPE C; HMSN IC; Charcot-Marie-Tooth disease, type IC; CHARCOT-MARIE-TOOTH NEUROPATHY, TYPE 1C; NEUROPATHY, HEREDITARY MOTOR AND SENSORY, TYPE IC; CHARCOT-MARIE-TOOTH DISEASE, DEMYELINATING, TYPE 1C. Identifiers: Orphanet 101083, MedGen C0270913, MONDO:0010995, OMIM 601098.

Allele frequency attached by ClinVar (database versions not stated): gnomAD exomes 0.00001; ExAC 0.00002; TOPMed 0.00002.
gnomAD v4.1: 15 of 1,614,200 alleles (0.00093%); highest among the groups gnomAD compares: Non-Finnish European, 0.0013%; no homozygotes.

Submissions (2):

Labcorp Genetics (formerly Invitae), Labcorp
Classification: Uncertain significance for Charcot-Marie-Tooth disease type 1C. Last evaluated: 2023-12-21. Review status: criteria provided, single submitter. Criteria: Invitae Variant Classification Sherloc (09022015). Collection method: clinical testing. Allele origin: germline.
Comment: This sequence change replaces glycine, which is neutral and non-polar, with tryptophan, which is neutral and slightly polar, at codon 42 of the LITAF protein (p.Gly42Trp). This variant is present in population databases (rs775942980, gnomAD 0.003%). This variant has not been reported in the literature in individuals affected with LITAF-related conditions. This missense change has been observed in at least one individual who was not affected with LITAF-related conditions (Invitae). ClinVar contains an entry for this variant (Variation ID: 968029). An algorithm developed to predict the effect of missense changes on protein structure and function (PolyPhen-2) suggests that this variant is likely to be disruptive. In summary, the available evidence is currently insufficient to determine the role of this variant in disease. Therefore, it has been classified as a Variant of Uncertain Significance.

Ambry Genetics
Classification: Uncertain significance for Inborn genetic diseases. Last evaluated: 2023-04-18. Review status: criteria provided, single submitter. Criteria: Ambry Variant Classification Scheme 2023. Collection method: clinical testing. Allele origin: germline.